The following is an entry in ClinVar:

NM_000238.4(KCNH2):c.853_859dup (p.Asp287fs)

Gene: KCNH2 (potassium voltage-gated channel subfamily H member 2; minus strand). Cytogenetic location: 7q36.1.
Variant type: Duplication.
Coding change: c.853_859dup on transcript NM_000238.4 (MANE Select); coding-DNA positions 853 to 859, 7 bases duplicated (GCCGACG; older notation c.853_859dupGCCGACG).
Protein change: p.Asp287fs; shifts the reading frame from aspartic acid 287.
Molecular consequence: frameshift variant. On other transcripts: non-coding transcript variant (1).
Genome position (GRCh38, 1-based): chr7:150,958,116-150,958,122, CGTCGGC duplicated on the plus strand (GCCGACG on the coding strand, the reverse complement: KCNH2 is on the minus strand); duplicating any 7 consecutive bases within chr7:150,958,116-150,958,124 gives the same sequence; the c. name uses the placement nearest the transcript's 3' end. VCF-style (leftmost placement, unchanged base first): chr7-150958115-T-TCGTCGGC. GRCh37 (hg19) VCF-style: chr7-150655203-T-TCGTCGGC.
Other names: c.565_571dup, p.Asp191fs (NM_001406753.1, NM_001406756.1); c.676_682dup, p.Asp228fs (NM_001406755.1); c.553_559dup, p.Asp187fs (NM_001406757.1); c.853_859dup, p.Asp287fs (NM_172056.3); short protein forms D187fs, D191fs, D228fs, D287fs.
Identifiers: ClinVar variation 4529668 (VCV004529668.3).

ClinVar aggregate classification (germline): Pathogenic/Likely pathogenic. Review status: criteria provided, multiple submitters, no conflicts (2 of 4 stars). 3 submissions from 3 submitters: Pathogenic (2); Likely pathogenic (1). Last evaluated 2025-12-09.

Conditions:
KCNH2-related disorder. Also called: KCNH2-related disorders; KCNH2-related condition.
Long QT syndrome (LQTS). Identifiers: MedGen C0023976, MeSH D008133, MONDO:0002442. Disease mechanism: loss of function. Inheritance: Various modes of inheritance.

Submissions (3):

Labcorp Genetics (formerly Invitae), Labcorp
Classification: Pathogenic for Long QT syndrome. Last evaluated: 2025-12-09. Review status: criteria provided, single submitter. Criteria: Invitae Variant Classification Sherloc (09022015). Collection method: clinical testing. Allele origin: germline.
Comment: This sequence change creates a premature translational stop signal (p.Asp287Glyfs*47) in the KCNH2 gene. It is expected to result in an absent or disrupted protein product. Loss-of-function variants in KCNH2 are known to be pathogenic (PMID: 10973849, 19862833). This variant is not present in population databases (gnomAD no frequency). This premature translational stop signal has been observed in individual(s) with clinical features of long QT syndrome (PMID: 23098067, 26063740). For these reasons, this variant has been classified as Pathogenic.

GeneDx
Classification: Likely pathogenic. Last evaluated: 2025-05-13. Review status: criteria provided, single submitter. Criteria: GeneDx Variant Classification Process June 2021. Collection method: clinical testing. Allele origin: germline. Affected: yes.
Comment: Frameshift variant predicted to result in protein truncation or nonsense mediated decay in a gene for which loss of function is a known mechanism of disease; Not observed at significant frequency in large population cohorts (gnomAD); Reported in a patient referred for LQTS genetic testing in published literature (PMID: 23098067); This variant is associated with the following publications: (PMID: 23098067)

Blueprint Genetics
Classification: Pathogenic for KCNH2-related disorders. Last evaluated: 2023-04-05. Review status: criteria provided, single submitter. Criteria: ACMG Guidelines, 2015. Collection method: clinical testing. Allele origin: germline. Affected: yes. Observed: 2 variant alleles.

Literature cited by the submitters: PubMed 10973849 (cited by Labcorp Genetics (formerly Invitae), Labcorp); PubMed 19862833 (cited by Labcorp Genetics (formerly Invitae), Labcorp); PubMed 23098067 (cited by Labcorp Genetics (formerly Invitae), Labcorp); PubMed 26063740 (cited by Labcorp Genetics (formerly Invitae), Labcorp).